The following is an entry in ClinVar:

ClinVar aggregate classification (germline): Uncertain significance (1 of 4 stars; one submission).

Allele frequency attached by ClinVar (database versions not stated): gnomAD exomes 0.00001 and 0.00006; gnomAD 0.00002 and 0.00003; ExAC 0.00003; TOPMed 0.00003.
gnomAD v4.1: 22 of 1,614,090 alleles (0.0014%); highest among the groups gnomAD compares: Admixed American, 0.015%; no homozygotes.

Submission:

Labcorp Genetics (formerly Invitae), Labcorp
Classification: Uncertain significance. Last evaluated: 2023-12-30. Review status: criteria provided, single submitter. Criteria: Invitae Variant Classification Sherloc (09022015). Collection method: clinical testing. Allele origin: germline.
Comment: This sequence change replaces threonine, which is neutral and polar, with methionine, which is neutral and non-polar, at codon 227 of the LIG1 protein (p.Thr227Met). This variant is present in population databases (rs760552864, gnomAD 0.03%). This variant has not been reported in the literature in individuals affected with LIG1-related conditions. ClinVar contains an entry for this variant (Variation ID: 1391506). Algorithms developed to predict the effect of missense changes on protein structure and function output the following: SIFT: "Not Available"; PolyPhen-2: "Benign"; Align-GVGD: "Not Available". The methionine amino acid residue is found in multiple mammalian species, which suggests that this missense change does not adversely affect protein function. In summary, the available evidence is currently insufficient to determine the role of this variant in disease. Therefore, it has been classified as a Variant of Uncertain Significance.

NM_000234.3(LIG1):c.680C>T (p.Thr227Met)

Gene: LIG1 (DNA ligase 1; minus strand). Cytogenetic location: 19q13.33.
Variant type: single nucleotide variant.
Coding change: c.680C>T on transcript NM_000234.3 (MANE Select); coding-DNA position 680, C replaced by T.
Protein change: p.Thr227Met; replaces threonine 227 with methionine.
Molecular consequence: missense variant. On other transcripts: non-coding transcript variant (6).
Genome position (GRCh38, 1-based): chr19:48,150,105, G>A on the plus strand (C>T on the coding strand, the complement: LIG1 is on the minus strand). VCF-style: chr19-48150105-G-A. GRCh37 (hg19) VCF-style: chr19-48653362-G-A.
Other names: c.587C>T, p.Thr196Met (NM_001289063.2); c.476C>T, p.Thr159Met (NM_001289064.2); c.677C>T, p.Thr226Met (NM_001320970.2); c.590C>T, p.Thr197Met (NM_001320971.2); short protein forms T159M, T196M, T197M, T226M, T227M.
Identifiers: ClinVar variation 1391506 (VCV001391506.4), dbSNP rs760552864, ClinGen allele CA9547184.